The following is an entry in ClinVar:

NM_000091.5(COL4A3):c.4643G>A (p.Cys1548Tyr)

Genes: COL4A3 (collagen type IV alpha 3 chain; plus strand), MFF-DT (MFF divergent transcript; minus strand). Cytogenetic location: 2q36.3.
Variant type: single nucleotide variant.
Coding change: c.4643G>A on transcript NM_000091.5 (MANE Select); coding-DNA position 4643, G replaced by A.
Protein change: p.Cys1548Tyr; replaces cysteine 1548 with tyrosine.
Molecular consequence: missense variant.
Genome position (GRCh38, 1-based): chr2:227,309,206, G>A. VCF-style: chr2-227309206-G-A. GRCh37 (hg19) VCF-style: chr2-228173922-G-A.
Other names: short protein forms C1548Y.
Identifiers: ClinVar variation 1017231 (VCV001017231.7), dbSNP rs745466617, ClinGen allele CA2147597.

ClinVar aggregate classification (germline): Uncertain significance. Review status: criteria provided, single submitter (1 of 4 stars). 2 submissions from 2 submitters: Uncertain significance (1). 1 of the submissions does not count toward it. Last evaluated 2021-08-24.

Conditions:
Alport syndrome. Also called: Hemorrhagic familial nephritis; Hemorrhagic hereditary nephritis; Congenital hereditary hematuria. Identifiers: Orphanet 63, MedGen C1567741, MONDO:0018965.

Allele frequency attached by ClinVar (database versions not stated): gnomAD exomes 0.00001; ExAC 0.00002.
gnomAD v4.1: 4 of 1,614,100 alleles (0.00025%); highest among the groups gnomAD compares: Admixed American, 0.0067%; no homozygotes.

Submissions (2):

Labcorp Genetics (formerly Invitae), Labcorp
Classification: Uncertain significance. Last evaluated: 2021-08-24. Review status: criteria provided, single submitter. Criteria: Invitae Variant Classification Sherloc (09022015). Collection method: clinical testing. Allele origin: germline.
Comment: This sequence change replaces cysteine with tyrosine at codon 1548 of the COL4A3 protein (p.Cys1548Tyr). The cysteine residue is highly conserved and there is a large physicochemical difference between cysteine and tyrosine. This variant is present in population databases (rs745466617, ExAC 0.02%). This missense change has been observed in individuals with clinical features of Alport syndrome (PMID: 14582039; Invitae). Algorithms developed to predict the effect of missense changes on protein structure and function are either unavailable or do not agree on the potential impact of this missense change (SIFT: "Deleterious"; PolyPhen-2: "Benign"; Align-GVGD: "Class C0"). In summary, the available evidence is currently insufficient to determine the role of this variant in disease. Therefore, it has been classified as a Variant of Uncertain Significance.

Natera, Inc.
Classification: Uncertain significance for Alport syndrome. Last evaluated: 2021-04-14. Review status: no assertion criteria provided. Collection method: clinical testing. Allele origin: germline. Not counted in ClinVar's aggregate classification.

Literature cited by the submitters: PubMed 14582039 (cited by Labcorp Genetics (formerly Invitae), Labcorp).